The following is an entry in ClinVar:

ClinVar aggregate classification (germline): Uncertain significance (1 of 4 stars; one submission).

Allele frequency attached by ClinVar (database versions not stated): TOPMed below 0.00001; gnomAD 0.00001; gnomAD exomes 0.00001.
gnomAD v4.1: 12 of 1,614,038 alleles (0.00074%); highest among the groups gnomAD compares: South Asian, 0.0022%; 1 homozygote.

Submission:

Labcorp Genetics (formerly Invitae), Labcorp
Classification: Uncertain significance. Last evaluated: 2025-03-31. Review status: criteria provided, single submitter. Criteria: Invitae Variant Classification Sherloc (09022015). Collection method: clinical testing. Allele origin: germline.
Comment: This sequence change replaces arginine, which is basic and polar, with glutamine, which is neutral and polar, at codon 652 of the ERCC6 protein (p.Arg652Gln). The frequency data for this variant in the population databases is considered unreliable, as metrics indicate poor data quality at this position in the gnomAD database. This variant has not been reported in the literature in individuals affected with ERCC6-related conditions. ClinVar contains an entry for this variant (Variation ID: 1465545). Invitae Evidence Modeling of protein sequence and biophysical properties (such as structural, functional, and spatial information, amino acid conservation, physicochemical variation, residue mobility, and thermodynamic stability) indicates that this missense variant is not expected to disrupt ERCC6 protein function with a negative predictive value of 80%. In summary, the available evidence is currently insufficient to determine the role of this variant in disease. Therefore, it has been classified as a Variant of Uncertain Significance.

NM_000124.4(ERCC6):c.1955G>A (p.Arg652Gln)

Gene: ERCC6 (ERCC excision repair 6, chromatin remodeling factor; minus strand). Cytogenetic location: 10q11.23.
Variant type: single nucleotide variant.
Coding change: c.1955G>A on transcript NM_000124.4 (MANE Select); coding-DNA position 1955, G replaced by A.
Protein change: p.Arg652Gln; replaces arginine 652 with glutamine.
Molecular consequence: missense variant.
Genome position (GRCh38, 1-based): chr10:49,483,383, C>T on the plus strand (G>A on the coding strand, the complement: ERCC6 is on the minus strand). VCF-style: chr10-49483383-C-T. GRCh37 (hg19) VCF-style: chr10-50691429-C-T.
Other names: c.1955G>A, p.Arg652Gln (NM_001346440.2); short protein forms R652Q.
Identifiers: ClinVar variation 1465545 (VCV001465545.5), dbSNP rs1365187961, ClinGen allele CA376724728.
Genomic context (GRCh38, chr10:49,483,383, plus strand): 5'-TCCCTTGTTAAAAGAGGTCATACCTGTTTGCAAGCAAGGGTGACAGCAGCATTTGGATTT[C>T]GAATTTTGTGTCCTTCGTCCAAGATCACATAGTGCCAGTCATACCTGCTAATGTCATCCT-3'
Protein context (NP_000115.1, residues 642-662): YVILDEGHKI[Arg652Gln]NPNAAVTLAC